The following is an entry in ClinVar:

NM_001371596.2(MFSD8):c.409G>T (p.Val137Phe)

Gene: MFSD8 (major facilitator superfamily domain containing 8; minus strand). Cytogenetic location: 4q28.2.
Variant type: single nucleotide variant.
Coding change: c.409G>T on transcript NM_001371596.2 (MANE Select); coding-DNA position 409, G replaced by T.
Protein change: p.Val137Phe; replaces valine 137 with phenylalanine.
Molecular consequence: missense variant.
Genome position (GRCh38, 1-based): chr4:127,943,782, C>A on the plus strand (G>T on the coding strand, the complement: MFSD8 is on the minus strand). VCF-style: chr4-127943782-C-A. GRCh37 (hg19) VCF-style: chr4-128864937-C-A.
Other names: c.409G>T, p.Val137Phe (NM_001363520.3, NM_001363521.3, NM_001371591.2 and 5 more transcripts); c.274G>T, p.Val92Phe (NM_001371590.2, NM_001371595.1, NM_001410765.1); short protein forms V137F, V92F.
Identifiers: ClinVar variation 590106 (VCV000590106.7), dbSNP rs146479250, ClinGen allele CA358176705.
Genomic context (GRCh38, chr4:127,943,782, plus strand): 5'-ACACAACCAAACATATACATACAACCTTACCTGCTCCAATTCCCAACAATCCACGAGCAA[C>A]CAGCATGTAGTATTTATTATGAGAAGCTGGGATGTGGAGATATGCATAGAGGCAGTTGGC-3'
Protein context (NP_001358525.1, residues 127-147): PASHNKYYML[Val137Phe]ARGLLGIGAG

ClinVar aggregate classification (germline): Uncertain significance (1 of 4 stars; one submission).

Conditions:
Inborn genetic diseases. Identifiers: MedGen C0950123, MeSH D030342.

Submission:

Ambry Genetics
Classification: Uncertain significance for Inborn genetic diseases. Last evaluated: 2017-03-20. Review status: criteria provided, single submitter. Criteria: Ambry Variant Classification Scheme 2023. Collection method: clinical testing. Allele origin: germline.
Comment: The p.V137F variant (also known as c.409G>T), located in coding exon 4 of the MFSD8 gene, results from a G to T substitution at nucleotide position 409. The valine at codon 137 is replaced by phenylalanine, an amino acid with highly similar properties. This amino acid position is poorly conserved in available vertebrate species. In addition, this alteration is predicted to be tolerated by in silico analysis. Since supporting evidence is limited at this time, the clinical significance of this alteration remains unclear.